The following is an entry in ClinVar:

NM_001365276.2(TNXB):c.1730A>G (p.Glu577Gly)

Gene: TNXB (tenascin XB; minus strand). Cytogenetic location: 6p21.33.
Variant type: single nucleotide variant.
Coding change: c.1730A>G on transcript NM_001365276.2 (MANE Select); coding-DNA position 1730, A replaced by G.
Protein change: p.Glu577Gly; replaces glutamic acid 577 with glycine.
Molecular consequence: missense variant.
Genome position (GRCh38, 1-based): chr6:32,096,123, T>C on the plus strand (A>G on the coding strand, the complement: TNXB is on the minus strand). VCF-style: chr6-32096123-T-C. GRCh37 (hg19) VCF-style: chr6-32063900-T-C.
Other names: c.1730A>G, p.Glu577Gly (NM_001428335.1, NM_019105.8); short protein forms E577G.
Identifiers: ClinVar variation 3459726 (VCV003459726.2).
Genomic context (GRCh38, chr6:32,096,123, plus strand): 5'-TGCTGGCTGCAGTCATTCGGGCACTGCCTCACACCGCAATCCTCGCCAGAGTAGCCGTCC[T>C]CGCACACACACCGCCCATCTAGGCACTGGCCGCGGCCTCGGCAGCCCCCGGGGCAGCTGC-3'
Protein context (NP_001352205.1, residues 567-587): GQCLDGRCVC[Glu577Gly]DGYSGEDCGV

ClinVar aggregate classification (germline): Conflicting classifications of pathogenicity. Review status: criteria provided, conflicting classifications (1 of 4 stars). 2 submissions from 2 submitters: Uncertain significance (1); Likely benign (1). Last evaluated 2025-05-20.

Conditions:
Cardiovascular phenotype. Identifiers: MedGen CN230736.

gnomAD v4.1: 11 of 1,603,678 alleles (0.00069%); highest among the groups gnomAD compares: Non-Finnish European, 0.00068%; no homozygotes.

Submissions (2):

Women's Health and Genetics/Laboratory Corporation of America, LabCorp
Classification: Uncertain significance. Last evaluated: 2025-05-20. Review status: criteria provided, single submitter. Criteria: LabCorp Variant Classification Summary - May 2015. Collection method: clinical testing. Allele origin: germline.
Comment: Variant summary: TNXB c.1730A>G (p.Glu577Gly) results in a non-conservative amino acid change in the encoded protein sequence. Algorithms developed to predict the effect of missense changes on protein structure and function are either unavailable or do not agree on the potential impact of this missense change. The variant allele was found at a frequency of 1.3e-05 in 222522 control chromosomes (gnomAD). The available data on variant occurrences in the general population are insufficient to allow any conclusion about variant significance. To our knowledge, no occurrence of c.1730A>G in individuals affected with Ehlers-Danlos syndrome due to tenascin-X deficiency and no experimental evidence demonstrating its impact on protein function have been reported. No submitters have cited clinical-significance assessments for this variant to ClinVar. Based on the evidence outlined above, the variant was classified as uncertain significance.

Ambry Genetics
Classification: Likely benign for Cardiovascular phenotype. Last evaluated: 2024-09-12. Review status: criteria provided, single submitter. Criteria: Ambry Variant Classification Scheme 2023. Collection method: clinical testing. Allele origin: germline.